The following is an entry in ClinVar:

NM_000540.3(RYR1):c.9158G>A (p.Arg3053Gln)

Gene: RYR1 (ryanodine receptor 1; plus strand). Cytogenetic location: 19q13.2.
Variant type: single nucleotide variant.
Coding change: c.9158G>A on transcript NM_000540.3 (MANE Select); coding-DNA position 9158, G replaced by A.
Protein change: p.Arg3053Gln; replaces arginine 3053 with glutamine.
Molecular consequence: missense variant.
Genome position (GRCh38, 1-based): chr19:38,511,596, G>A. VCF-style: chr19-38511596-G-A. GRCh37 (hg19) VCF-style: chr19-39002236-G-A.
Other names: c.9158G>A, p.Arg3053Gln (NM_001042723.2); short protein forms R3053Q.
Identifiers: ClinVar variation 2525082 (VCV002525082.6), dbSNP rs777122918, ClinGen allele CA073271.

ClinVar aggregate classification (germline): Uncertain significance. Review status: criteria provided, multiple submitters, no conflicts (2 of 4 stars). 3 submissions from 3 submitters: Uncertain significance (3). Last evaluated 2023-11-29.

Conditions:
RYR1-related disorder. Also called: RYR1-related disorders; RYR1-related condition. Identifiers: MedGen CN239331.
Malignant hyperthermia, susceptibility to, 1 (MHS1). Also called: Anesthesia related hyperthermia; Malignant hyperpyrexia; Fulminating hyperpyrexia; Pharmacogenic myopathy; RYR1-Related Malignant Hyperthermia Susceptibility; Malignant hyperthermia suceptibility 1. Identifiers: Orphanet 423, MedGen C2930980, MONDO:0007783, OMIM 145600.
Inborn genetic diseases. Identifiers: MedGen C0950123, MeSH D030342.

Allele frequency attached by ClinVar (database versions not stated): ExAC 0.00001; gnomAD 0.00001; gnomAD exomes 0.00001; TOPMed 0.00001.
gnomAD v4.1: 18 of 1,613,812 alleles (0.0011%); highest among the groups gnomAD compares: East Asian, 0.0067%; no homozygotes.

Submissions (3):

Color Diagnostics, LLC DBA Color Health
Classification: Uncertain significance for Malignant hyperthermia, susceptibility to, 1. Last evaluated: 2023-11-29. Review status: criteria provided, single submitter. Criteria: ACMG Guidelines, 2015. Collection method: clinical testing. Allele origin: germline.
Comment: This missense variant replaces arginine with glutamine at codon 3053 of the RYR1 protein. Computational prediction suggests that this variant may not impact protein structure and function. To our knowledge, functional studies have not been reported for this variant. This variant has not been reported in individuals affected with RYR1-related disorders in the literature. This variant has been identified in 3/282756 chromosomes in the general population by the Genome Aggregation Database (gnomAD). The available evidence is insufficient to determine the role of this variant in disease conclusively. Therefore, this variant is classified as a Variant of Uncertain Significance.

Labcorp Genetics (formerly Invitae), Labcorp
Classification: Uncertain significance for RYR1-related disorder. Last evaluated: 2023-09-19. Review status: criteria provided, single submitter. Criteria: Invitae Variant Classification Sherloc (09022015). Collection method: clinical testing. Allele origin: germline.
Comment: In summary, the available evidence is currently insufficient to determine the role of this variant in disease. Therefore, it has been classified as a Variant of Uncertain Significance. Advanced modeling of protein sequence and biophysical properties (such as structural, functional, and spatial information, amino acid conservation, physicochemical variation, residue mobility, and thermodynamic stability) performed at Invitae indicates that this missense variant is not expected to disrupt RYR1 protein function. ClinVar contains an entry for this variant (Variation ID: 2525082). This variant has not been reported in the literature in individuals affected with RYR1-related conditions. This variant is present in population databases (rs777122918, gnomAD 0.003%). This sequence change replaces arginine, which is basic and polar, with glutamine, which is neutral and polar, at codon 3053 of the RYR1 protein (p.Arg3053Gln).

Ambry Genetics
Classification: Uncertain significance for Inborn genetic diseases. Last evaluated: 2023-05-23. Review status: criteria provided, single submitter. Criteria: Ambry Variant Classification Scheme 2023. Collection method: clinical testing. Allele origin: germline.